The following is an entry in ClinVar:

ClinVar aggregate classification (germline): Uncertain significance. Review status: criteria provided, multiple submitters, no conflicts (2 of 4 stars). 3 submissions from 3 submitters: Uncertain significance (3). Last evaluated 2025-12-29.

Conditions:
Hypophosphatemic nephrolithiasis/osteoporosis 1. Identifiers: Orphanet 244305, MedGen C2676786, MONDO:0012850, OMIM 612286.
Hypercalcemia, infantile, 2 (HCINF2). Identifiers: Orphanet 300547, MedGen C4310473, MONDO:0014851, OMIM 616963.
Fanconi renotubular syndrome 2 (FRTS2). Identifiers: MedGen C3150652, MONDO:0013247, OMIM 613388.

Allele frequency attached by ClinVar (database versions not stated): gnomAD exomes 0.00002; gnomAD 0.00004; ExAC 0.00006; TOPMed 0.00009; ESP Exome Variant Server 0.00031.
gnomAD v4.1: 32 of 1,611,256 alleles (0.002%); highest among the groups gnomAD compares: Middle Eastern, 0.033%; no homozygotes.

Submissions (3):

Center for Genomic Medicine, Rigshospitalet, Copenhagen University Hospital
Classification: Uncertain significance. Last evaluated: 2025-12-29. Review status: criteria provided, single submitter. Criteria: ACMG Guidelines, 2015. Collection method: clinical testing. Allele origin: germline.

Labcorp Genetics (formerly Invitae), Labcorp
Classification: Uncertain significance. Last evaluated: 2024-10-25. Review status: criteria provided, single submitter. Criteria: Invitae Variant Classification Sherloc (09022015). Collection method: clinical testing. Allele origin: germline.
Comment: This sequence change replaces arginine, which is basic and polar, with cysteine, which is neutral and slightly polar, at codon 595 of the SLC34A1 protein (p.Arg595Cys). This variant is present in population databases (rs145661415, gnomAD 0.03%). This variant has not been reported in the literature in individuals affected with SLC34A1-related conditions. ClinVar contains an entry for this variant (Variation ID: 2160125). Invitae Evidence Modeling of protein sequence and biophysical properties (such as structural, functional, and spatial information, amino acid conservation, physicochemical variation, residue mobility, and thermodynamic stability) indicates that this missense variant is not expected to disrupt SLC34A1 protein function with a negative predictive value of 80%. In summary, the available evidence is currently insufficient to determine the role of this variant in disease. Therefore, it has been classified as a Variant of Uncertain Significance.

Fulgent Genetics
Classification: Uncertain significance for Hypophosphatemic nephrolithiasis/osteoporosis 1; Fanconi renotubular syndrome 2; Hypercalcemia, infantile, 2. Last evaluated: 2024-02-05. Review status: criteria provided, single submitter. Criteria: ACMG Guidelines, 2015. Collection method: clinical testing. Allele origin: germline.

NM_003052.5(SLC34A1):c.1783C>T (p.Arg595Cys)

Gene: SLC34A1 (solute carrier family 34 member 1; plus strand). Cytogenetic location: 5q35.3.
Variant type: single nucleotide variant.
Coding change: c.1783C>T on transcript NM_003052.5 (MANE Select); coding-DNA position 1783, C replaced by T.
Protein change: p.Arg595Cys; replaces arginine 595 with cysteine.
Molecular consequence: missense variant.
Genome position (GRCh38, 1-based): chr5:177,398,149, C>T. VCF-style: chr5-177398149-C-T. GRCh37 (hg19) VCF-style: chr5-176825150-C-T.
Other names: short protein forms R595C.
Identifiers: ClinVar variation 2160125 (VCV002160125.5), dbSNP rs145661415, ClinGen allele CA3580881.
Genomic context (GRCh38, chr5:177,398,149, plus strand): 5'-ACATGGGACTTCCTGCCTCGCTGGATGCACTCCCTGAAGCCCCTGGACCACCTCATCACC[C>T]GCGCCACCCTATGCTGTGCCAGGCCTGAGCCCCGCTCACCCCCGCTGCCCCCCAGGGTCT-3'
Protein context (NP_003043.3, residues 585-605): SLKPLDHLIT[Arg595Cys]ATLCCARPEP